The following is an entry in ClinVar:

ClinVar aggregate classification (germline): Uncertain significance (1 of 4 stars; one submission).

Submission:

GeneDx
Classification: Uncertain significance. Last evaluated: 2023-01-03. Review status: criteria provided, single submitter. Criteria: GeneDx Variant Classification Process June 2021. Collection method: clinical testing. Allele origin: germline. Affected: yes.
Comment: Not observed at significant frequency in large population cohorts (gnomAD); In silico analysis supports that this missense variant does not alter protein structure/function; Has not been previously published as pathogenic or benign to our knowledge

NM_030632.3(ASXL3):c.656A>C (p.Lys219Thr)

Gene: ASXL3 (ASXL transcriptional regulator 3; plus strand). Cytogenetic location: 18q12.1.
Variant type: single nucleotide variant.
Coding change: c.656A>C on transcript NM_030632.3 (MANE Select); coding-DNA position 656, A replaced by C.
Protein change: p.Lys219Thr; replaces lysine 219 with threonine.
Molecular consequence: missense variant.
Genome position (GRCh38, 1-based): chr18:33,671,807, A>C. VCF-style: chr18-33671807-A-C. GRCh37 (hg19) VCF-style: chr18-31251771-A-C.
Other names: short protein forms K219T.
Identifiers: ClinVar variation 2507206 (VCV002507206.1), dbSNP rs2510931435, ClinGen allele CA402168256.
Genomic context (GRCh38, chr18:33,671,807, plus strand): 5'-GATCTGAATCTAAAAATGGTGAAGCAGACAGTTCAGATAAAGAAATGAAACATGGGCAAA[A>C]ATCTCCCACTGGAAAACAAACAAGTCAGCACTTAAAACGATTAAAAAAGTCTGGTTTAGG-3'
Protein context (NP_085135.1, residues 209-229): SSDKEMKHGQ[Lys219Thr]SPTGKQTSQH